The following is an entry in ClinVar:

ClinVar aggregate classification (germline): Uncertain significance (1 of 4 stars; one submission).

Conditions:
Immunodeficiency 14 (IMD14A). Also called: IMMUNODEFICIENCY 14A WITH LYMPHOPROLIFERATION, AUTOSOMAL DOMINANT; Activated PI3K Delta Syndrome Type 1 (APDS1); p110-DELTA-ACTIVATING MUTATION CAUSING SENESCENT T CELLS, LYMPHADENOPATHY, AND IMMUNODEFICIENCY; ACTIVATED PI3K-DELTA SYNDROME 1. Identifiers: Orphanet 397596, Orphanet 693661, MedGen C5907821, MONDO:0014222, OMIM 615513.

gnomAD v4.1: 20 of 1,613,682 alleles (0.0012%); highest among the groups gnomAD compares: Admixed American, 0.0033%; no homozygotes.

Submission:

Labcorp Genetics (formerly Invitae), Labcorp
Classification: Uncertain significance for Activated PI3K-delta syndrome. Last evaluated: 2025-08-09. Review status: criteria provided, single submitter. Criteria: Invitae Variant Classification Sherloc (09022015). Collection method: clinical testing. Allele origin: germline.
Comment: This sequence change replaces arginine, which is basic and polar, with tryptophan, which is neutral and slightly polar, at codon 286 of the PIK3CD protein (p.Arg286Trp). This variant is present in population databases (rs146796121, gnomAD 0.003%). This variant has not been reported in the literature in individuals affected with PIK3CD-related conditions. ClinVar contains an entry for this variant (Variation ID: 2178045). Invitae Evidence Modeling of protein sequence and biophysical properties (such as structural, functional, and spatial information, amino acid conservation, physicochemical variation, residue mobility, and thermodynamic stability) has been performed for this missense variant. However, the output from this modeling did not meet the statistical confidence thresholds required to predict the impact of this variant on PIK3CD protein function. In summary, the available evidence is currently insufficient to determine the role of this variant in disease. Therefore, it has been classified as a Variant of Uncertain Significance.

NM_005026.5(PIK3CD):c.856C>T (p.Arg286Trp)

Gene: PIK3CD (phosphatidylinositol-4,5-bisphosphate 3-kinase catalytic subunit delta; plus strand). Cytogenetic location: 1p36.22.
Variant type: single nucleotide variant.
Coding change: c.856C>T on transcript NM_005026.5 (MANE Select); coding-DNA position 856, C replaced by T.
Protein change: p.Arg286Trp; replaces arginine 286 with tryptophan.
Molecular consequence: missense variant. On other transcripts: intron variant (1).
Genome position (GRCh38, 1-based): chr1:9,717,034, C>T. VCF-style: chr1-9717034-C-T. GRCh37 (hg19) VCF-style: chr1-9777092-C-T.
Other names: c.856C>T, p.Arg286Trp (NM_001350234.2); c.781-12C>T (NM_001350235.1); short protein forms R286W.
Identifiers: ClinVar variation 2178045 (VCV002178045.4), dbSNP rs146796121, ClinGen allele CA17776138.